The following is an entry in ClinVar:

ClinVar aggregate classification (germline): Likely benign. Review status: criteria provided, single submitter (1 of 4 stars). 2 submissions from 2 submitters: Likely benign (1). 1 of the submissions does not count toward it. Last evaluated 2023-06-08.

Conditions:
RYR1-related disorder. Also called: RYR1-related condition; RYR1-related disorders. Identifiers: MedGen CN239331.
Malignant hyperthermia, susceptibility to, 1 (MHS1). Also called: RYR1-Related Malignant Hyperthermia Susceptibility; Anesthesia related hyperthermia; Malignant hyperpyrexia; Fulminating hyperpyrexia; Pharmacogenic myopathy; Malignant hyperthermia suceptibility 1. Identifiers: Orphanet 423, MedGen C2930980, MONDO:0007783, OMIM 145600.

Allele frequency attached by ClinVar (database versions not stated): gnomAD 0.00001; TOPMed 0.00002.
gnomAD v4.1: 4 of 1,603,048 alleles (0.00025%); highest among the groups gnomAD compares: African/African-American, 0.0053%; no homozygotes.

Submissions (2):

All of Us Research Program, National Institutes of Health
Classification: Likely benign for Malignant hyperthermia, susceptibility to, 1. Last evaluated: 2023-06-08. Review status: criteria provided, single submitter. Criteria: ACMG Guidelines, 2015. Collection method: clinical testing. Allele origin: germline. Inheritance: Autosomal dominant inheritance. Observed: 1 variant allele, 1 heterozygote.
Comment: This study involves interpretation of variants in research participants for the purpose of population health screening. Participant phenotype was not available at the time of variant classification. Additional details can be found in publication PMID: 35346344, PMCID: PMC8962531

PreventionGenetics, part of Exact Sciences
Classification: Likely benign for RYR1-related condition. Last evaluated: 2023-03-27. Review status: no assertion criteria provided. Collection method: clinical testing. Allele origin: germline. Not counted in ClinVar's aggregate classification.
Comment: This variant is classified as likely benign based on ACMG/AMP sequence variant interpretation guidelines (Richards et al. 2015 PMID: 25741868, with internal and published modifications).

NM_000540.3(RYR1):c.13438-6C>T

Gene: RYR1 (ryanodine receptor 1; plus strand). Cytogenetic location: 19q13.2.
Variant type: single nucleotide variant.
Coding change: c.13438-6C>T on transcript NM_000540.3 (MANE Select); 6 bases into the intron before coding-DNA position 13438, C replaced by T.
Molecular consequence: intron variant.
Genome position (GRCh38, 1-based): chr19:38,566,905, C>T. VCF-style: chr19-38566905-C-T. GRCh37 (hg19) VCF-style: chr19-39057545-C-T.
Other names: c.13423-6C>T (NM_001042723.2).
Identifiers: ClinVar variation 3048551 (VCV003048551.3), dbSNP rs756003242, ClinGen allele CA059814.